The following is an entry in ClinVar:

NM_014714.4(IFT140):c.3270+19_3270+20inv

Gene: IFT140 (intraflagellar transport 140; minus strand). Cytogenetic location: 16p13.3.
Variant type: Inversion.
Coding change: c.3270+19_3270+20inv on transcript NM_014714.4 (MANE Select).
Molecular consequence: intron variant.
Genome position: GRCh38 VCF-style: chr16-1523808-CA-TG. GRCh37 (hg19) VCF-style: chr16-1573809-CA-TG.
Identifiers: ClinVar variation 1936158 (VCV001936158.3), ClinGen allele CA2580090476.
Genomic context (GRCh38, chr16:1,523,808, plus strand): 5'-GAGCACGGAGGCCTCGCACAGGCAAGGGCCCCCTGGCTTGCTGCCCCTCCCCCAGGTCCC[CA>TG]CCGGTGGCCAGCCCTCACCTTGTGGTACAGCATGACCGCCCTGTCCATCTGCACGCCCTT-3'

ClinVar aggregate classification (germline): Uncertain significance (1 of 4 stars; one submission).

Conditions:
Saldino-Mainzer syndrome (SRTD9). Also called: Renal dysplasia, retinal pigmentary dystrophy, cerebellar ataxia and skeletal dysplasia; CONORENAL SYNDROME; short-rib thoracic dysplasia 9 with or without polydactyly; SHORT-RIB THORACIC DYSPLASIA 9 WITHOUT POLYDACTYLY. Identifiers: Orphanet 140969, MedGen C1849437, MONDO:0009964, OMIM 266920.

Submission:

Labcorp Genetics (formerly Invitae), Labcorp
Classification: Uncertain significance for Saldino-Mainzer syndrome. Last evaluated: 2025-08-04. Review status: criteria provided, single submitter. Criteria: Invitae Variant Classification Sherloc (09022015). Collection method: clinical testing. Allele origin: germline.
Comment: This sequence change falls in intron 25 of the IFT140 gene. It does not directly change the encoded amino acid sequence of the IFT140 protein. Information on the frequency of this variant in the gnomAD database is not available, as this variant may be reported differently in the database. This variant has not been reported in the literature in individuals affected with IFT140-related conditions. ClinVar contains an entry for this variant (Variation ID: 1936158). Experimental studies and prediction algorithms are not available or were not evaluated, and the effect of this variant on mRNA splicing is currently unknown. In summary, the available evidence is currently insufficient to determine the role of this variant in disease. Therefore, it has been classified as a Variant of Uncertain Significance.